The following is an entry in ClinVar:

NM_032581.4(HYCC1):c.*241T>C

Gene: HYCC1 (hyccin PI4KA lipid kinase complex subunit 1; minus strand). Cytogenetic location: 7p15.3.
Variant type: single nucleotide variant.
Coding change: c.*241T>C on transcript NM_032581.4 (MANE Select); 241 bases downstream of the stop codon, T replaced by C.
Molecular consequence: 3 prime UTR variant.
Genome position (GRCh38, 1-based): chr7:22,945,348, A>G on the plus strand (T>C on the coding strand, the complement: HYCC1 is on the minus strand). VCF-style: chr7-22945348-A-G. GRCh37 (hg19) VCF-style: chr7-22984967-A-G.
Other names: c.*843T>C (NM_001363466.2); c.*801T>C (NM_001363467.2).
Identifiers: ClinVar variation 359762 (VCV000359762.6), dbSNP rs2286493, ClinGen allele CA10628941.

ClinVar aggregate classification (germline): Benign. Review status: criteria provided, multiple submitters, no conflicts (2 of 4 stars). 2 submissions from 2 submitters: Benign (2). Last evaluated 2018-06-29.

Conditions:
Hypomyelination and Congenital Cataract (HLD5). Also called: hypomyelinating leukodystrophy 5. Identifiers: Orphanet 85163, MedGen C1864663, MONDO:0012514, OMIM 610532.

Allele frequency attached by ClinVar (database versions not stated): 1000 Genomes Project 30x 0.20191; 1000 Genomes Project 0.20248; TOPMed 0.24989; gnomAD 0.26168 and 0.26202; gnomAD exomes 0.29241.
gnomAD v4.1: 156,806 of 552,972 alleles (28%); highest among the groups gnomAD compares: Non-Finnish European, 32%; 23,870 homozygotes.

Submissions (2):

GeneDx
Classification: Benign. Last evaluated: 2018-06-29. Review status: criteria provided, single submitter. Criteria: GeneDx Variant Classification Process June 2021. Collection method: clinical testing. Allele origin: germline. Affected: yes.

Illumina Laboratory Services, Illumina
Classification: Benign for Hypomyelination and Congenital Cataract. Last evaluated: 2018-01-13. Review status: criteria provided, single submitter. Criteria: ICSL Variant Classification Criteria 13 December 2019. Collection method: clinical testing. Allele origin: germline.
Comment: This variant was observed in the ICSL laboratory as part of a predisposition screen in an ostensibly healthy population. It had not been previously curated by ICSL or reported in the Human Gene Mutation Database (HGMD: prior to June 1st, 2018), and was therefore a candidate for classification through an automated scoring system. Utilizing variant allele frequency, disease prevalence and penetrance estimates, and inheritance mode, an automated score was calculated to assess if this variant is too frequent to cause the disease. Based on the score and internal cut-off values, a variant classified as benign is not then subjected to further curation. The score for this variant resulted in a classification of benign for this disease.